The following is an entry in ClinVar:

NM_006121.4(KRT1):c.608_609delinsCC (p.Gln203Pro)

Gene: KRT1 (keratin 1; minus strand). Cytogenetic location: 12q13.13.
Variant type: Indel.
Coding change: c.608_609delinsCC on transcript NM_006121.4 (MANE Select); coding-DNA positions 608 to 609, AG replaced by CC.
Protein change: p.Gln203Pro; replaces glutamine 203 with proline.
Molecular consequence: missense variant.
Genome position (GRCh38, 1-based): chr12:52,678,739-52,678,740, CT replaced by GG on the plus strand (AG replaced by CC on the coding strand, the reverse complement: KRT1 is on the minus strand). VCF-style: chr12-52678739-CT-GG. GRCh37 (hg19) VCF-style: chr12-53072523-CT-GG.
Other names: short protein forms Q203P.
Identifiers: ClinVar variation 4712754 (VCV004712754.1).

ClinVar aggregate classification (germline): Uncertain significance (1 of 4 stars; one submission).

Submission:

Labcorp Genetics (formerly Invitae), Labcorp
Classification: Uncertain significance. Last evaluated: 2025-02-10. Review status: criteria provided, single submitter. Criteria: Invitae Variant Classification Sherloc (09022015). Collection method: clinical testing. Allele origin: germline.
Comment: This sequence change replaces glutamine, which is neutral and polar, with proline, which is neutral and non-polar, at codon 203 of the KRT1 protein (p.Gln203Pro). Information on the frequency of this variant in the gnomAD database is not available, as this variant may be reported differently in the database. This variant has not been reported in the literature in individuals affected with KRT1-related conditions. An algorithm developed to predict the effect of missense changes on protein structure and function (PolyPhen-2) suggests that this variant is likely to be disruptive. In summary, the available evidence is currently insufficient to determine the role of this variant in disease. Therefore, it has been classified as a Variant of Uncertain Significance.